The following is an entry in ClinVar:

ClinVar aggregate classification (germline): Uncertain significance (1 of 4 stars; one submission).

Conditions:
Cardiovascular phenotype. Identifiers: MedGen CN230736.

Submission:

Ambry Genetics
Classification: Uncertain significance for Cardiovascular phenotype. Last evaluated: 2024-11-13. Review status: criteria provided, single submitter. Criteria: Ambry Variant Classification Scheme 2023. Collection method: clinical testing. Allele origin: germline.
Comment: The p.D735N variant (also known as c.2203G>A), located in coding exon 16 of the VCL gene, results from a G to A substitution at nucleotide position 2203. The aspartic acid at codon 735 is replaced by asparagine, an amino acid with highly similar properties. This amino acid position is conserved. In addition, this alteration is predicted to be tolerated by in silico analysis. Based on the available evidence, the clinical significance of this variant remains unclear.

NM_014000.3(VCL):c.2203G>A (p.Asp735Asn)

Gene: VCL (vinculin; plus strand). Cytogenetic location: 10q22.2.
Variant type: single nucleotide variant.
Coding change: c.2203G>A on transcript NM_014000.3 (MANE Select); coding-DNA position 2203, G replaced by A.
Protein change: p.Asp735Asn; replaces aspartic acid 735 with asparagine.
Molecular consequence: missense variant.
Genome position (GRCh38, 1-based): chr10:74,105,122, G>A. VCF-style: chr10-74105122-G-A. GRCh37 (hg19) VCF-style: chr10-75864880-G-A.
Other names: c.2203G>A, p.Asp735Asn (NM_003373.4); short protein forms D735N.
Identifiers: ClinVar variation 3467848 (VCV003467848.1).